The following is an entry in ClinVar:

ClinVar aggregate classification (germline): Uncertain significance (1 of 4 stars; one submission).

Submission:

Labcorp Genetics (formerly Invitae), Labcorp
Classification: Uncertain significance. Last evaluated: 2021-07-18. Review status: criteria provided, single submitter. Criteria: Invitae Variant Classification Sherloc (09022015). Collection method: clinical testing. Allele origin: germline.
Comment: In summary, the available evidence is currently insufficient to determine the role of this variant in disease. Therefore, it has been classified as a Variant of Uncertain Significance. This variant has not been reported in the literature in individuals affected with SIRT1-related conditions. This variant results in a copy number gain of the genomic region encompassing exon(s) 1-4 of the SIRT1 gene. This region includes the initiator codon of the gene. The 5' end of this event is unknown as it extends beyond the assayed region for this gene and therefore may encompass additional genes. The 3' boundary is likely confined to intron 4 of the SIRT1 gene. As the precise location of this event is unknown, it may be in tandem or it may be located elsewhere in the genome.

NC_000010.10:g.(?_69644213)_(69651332_?)dup

Gene: SIRT1 (sirtuin 1; plus strand). Cytogenetic location: 10q21.3.
Variant type: Duplication.
Identifiers: ClinVar variation 1411721 (VCV001411721.4).